The following is an entry in ClinVar:

ClinVar aggregate classification (germline): Pathogenic (1 of 4 stars; one submission).

Conditions:
Congenital myasthenic syndrome 8. Also called: MYASTHENIC SYNDROME, CONGENITAL, DUE TO AGRIN DEFICIENCY; Myasthenic syndrome, congenital, 8, with pre- and postsynaptic defects. Identifiers: Orphanet 590, MedGen C3808739, MONDO:0014052, OMIM 615120.

Submission:

Labcorp Genetics (formerly Invitae), Labcorp
Classification: Pathogenic for Congenital myasthenic syndrome 8. Last evaluated: 2025-11-11. Review status: criteria provided, single submitter. Criteria: Invitae Variant Classification Sherloc (09022015). Collection method: clinical testing. Allele origin: germline.
Comment: This sequence change creates a premature translational stop signal (p.Ala1325Glyfs*10) in the AGRN gene. It is expected to result in an absent or disrupted protein product. Loss-of-function variants in AGRN are known to be pathogenic (PMID: 24951643, 31730230, 39807604). This variant is not present in population databases (gnomAD no frequency). This variant has not been reported in the literature in individuals affected with AGRN-related conditions. For these reasons, this variant has been classified as Pathogenic.

Literature cited by the submitters: PubMed 24951643; PubMed 31730230; PubMed 39807604.

NM_198576.4(AGRN):c.3971dup (p.Ala1325fs)

Gene: AGRN (agrin; plus strand). Cytogenetic location: 1p36.33.
Variant type: Duplication.
Coding change: c.3971dup on transcript NM_198576.4 (MANE Select); coding-DNA position 3971, one base duplicated (C; older notation c.3971dupC).
Protein change: p.Ala1325fs; shifts the reading frame from alanine 1325.
Molecular consequence: frameshift variant.
Genome position (GRCh38, 1-based): chr1:1,048,231, C duplicated; the last of 5 consecutive C bases (chr1:1,048,227-1,048,231); duplicating any one gives the same sequence. VCF-style (leftmost placement, unchanged base first): chr1-1048226-G-GC. GRCh37 (hg19) VCF-style: chr1-983606-G-GC.
Other names: c.3971dup, p.Ala1325fs (NM_001305275.2); c.3656dup, p.Ala1220fs (NM_001364727.2); short protein forms A1220fs, A1325fs.
Identifiers: ClinVar variation 4730640 (VCV004730640.1).